The following is an entry in ClinVar:

NM_001267550.2(TTN):c.81794C>T (p.Thr27265Ile)

Genes: TTN (titin; minus strand), TTN-AS1 (TTN antisense RNA 1; plus strand). Cytogenetic location: 2q31.2.
Variant type: single nucleotide variant.
Coding change: c.81794C>T on transcript NM_001267550.2 (MANE Select); coding-DNA position 81794, C replaced by T.
Protein change: p.Thr27265Ile; replaces threonine 27265 with isoleucine.
Molecular consequence: missense variant.
Genome position (GRCh38, 1-based): chr2:178,564,338, G>A on the plus strand (C>T on the coding strand, the complement: TTN is on the minus strand). VCF-style: chr2-178564338-G-A. GRCh37 (hg19) VCF-style: chr2-179429065-G-A.
Other names: c.81794C>T (LRG_391t1); c.76871C>T, p.Thr25624Ile (NM_001256850.1); c.54599C>T, p.Thr18200Ile (NM_003319.4); c.74090C>T, p.Thr24697Ile (NM_133378.4); c.54974C>T, p.Thr18325Ile (NM_133432.3); c.55175C>T, p.Thr18392Ile (NM_133437.4); short protein forms T27265I, T24697I, T18392I, T18200I, T18325I, T25624I.
Identifiers: ClinVar variation 586900 (VCV000586900.4), dbSNP rs371129005, ClinGen allele CA1989155.

ClinVar aggregate classification (germline): Uncertain significance. Review status: criteria provided, multiple submitters, no conflicts (2 of 4 stars). 2 submissions from 2 submitters: Uncertain significance (2). Last evaluated 2019-09-30.

Conditions:
Cardiovascular phenotype. Identifiers: MedGen CN230736.

Allele frequency attached by ClinVar (database versions not stated): gnomAD exomes 0.00001 and 0.00002; ExAC 0.00004; ESP Exome Variant Server 0.00008; TOPMed 0.00010; gnomAD 0.00011.
gnomAD v4.1: 25 of 1,613,570 alleles (0.0015%); highest among the groups gnomAD compares: African/African-American, 0.031%; no homozygotes.

Submissions (2):

Ambry Genetics
Classification: Uncertain significance for Cardiovascular phenotype. Last evaluated: 2019-09-30. Review status: criteria provided, single submitter. Criteria: Ambry Variant Classification Scheme 2023. Collection method: clinical testing. Allele origin: germline.
Comment: The p.T18200I variant (also known as c.54599C>T), located in coding exon 153 of the TTN gene, results from a C to T substitution at nucleotide position 54599. The threonine at codon 18200 is replaced by isoleucine, an amino acid with similar properties. This amino acid position is highly conserved in available vertebrate species. In addition, this alteration is predicted to be tolerated by in silico analysis. Since supporting evidence is limited at this time, the clinical significance of this alteration remains unclear.

Athena Diagnostics
Classification: Uncertain significance. Last evaluated: 2018-03-21. Review status: criteria provided, single submitter. Criteria: Athena Diagnostics Criteria. Collection method: clinical testing. Allele origin: germline.